The following is an entry in ClinVar:

ClinVar aggregate classification (germline): Conflicting classifications of pathogenicity. Review status: criteria provided, conflicting classifications (1 of 4 stars). 3 submissions from 3 submitters: Likely pathogenic (1); Uncertain significance (2). Last evaluated 2026-09-19.

Conditions:
GARS1-related disorder. Also called: GARS1-related condition.
Charcot-Marie-Tooth disease type 2. Also called: Charcot-Marie-Tooth type 2. Identifiers: Orphanet 64746, MedGen C0270914, MONDO:0018993.

Allele frequency attached by ClinVar (database versions not stated): gnomAD 0.00005; TOPMed 0.00007.
gnomAD v4.1: 11 of 1,564,814 alleles (0.0007%); highest among the groups gnomAD compares: Admixed American, 0.016%; no homozygotes.

Submissions (3):

PreventionGenetics, part of Exact Sciences
Classification: Uncertain significance for GARS1-related condition. Last evaluated: 2026-09-19. Review status: criteria provided, single submitter. Criteria: ACMG Guidelines, 2015. Collection method: clinical testing. Allele origin: germline.
Comment: The GARS1 c.123C>A variant is predicted to result in premature protein termination (p.Cys41*). To our knowledge, this variant has not been reported in the literature. This variant is absent in the large population database gnomAD v2; however in gnomAD v4 (available only on GRCh38), this variant is reported in 0.016% of alleles in the Admixed American subpopulation and with a total allele count of 11. At this time, the clinical significance of this variant is uncertain due to the absence of conclusive functional and genetic evidence.

GeneDx
Classification: Likely pathogenic. Last evaluated: 2025-08-07. Review status: criteria provided, single submitter. Criteria: GeneDx Variant Classification Process June 2021. Collection method: clinical testing. Allele origin: germline. Affected: yes.
Comment: Nonsense variant predicted to result in protein truncation or nonsense mediated decay in a gene for which loss of function is a known mechanism of disease; Not observed at significant frequency in large population cohorts (gnomAD); Has not been previously published as pathogenic or benign to our knowledge

Labcorp Genetics (formerly Invitae), Labcorp
Classification: Uncertain significance for Charcot-Marie-Tooth disease type 2. Last evaluated: 2019-04-20. Review status: criteria provided, single submitter. Criteria: Invitae Variant Classification Sherloc (09022015). Collection method: clinical testing. Allele origin: germline.
Comment: This sequence change creates a premature translational stop signal (p.Cys41*) in the GARS gene. It is expected to result in an absent or disrupted protein product. The frequency data for this variant in the population databases is considered unreliable, as metrics indicate insufficient coverage at this position in the ExAC database. This variant has not been reported in the literature in individuals with GARS-related conditions. The current clinical and genetic evidence is not sufficient to establish whether loss-of-function variants in GARS cause disease. In summary, the available evidence is currently insufficient to determine the role of this variant in disease. Therefore, it has been classified as a Variant of Uncertain Significance.

NM_002047.4(GARS1):c.123C>A (p.Cys41Ter)

Gene: GARS1 (glycyl-tRNA synthetase 1; plus strand). Cytogenetic location: 7p14.3.
Variant type: single nucleotide variant.
Coding change: c.123C>A on transcript NM_002047.4 (MANE Select); coding-DNA position 123, C replaced by A.
Protein change: p.Cys41Ter; replaces cysteine 41 with a stop codon.
Molecular consequence: nonsense. On other transcripts: 5 prime UTR variant (1).
Genome position (GRCh38, 1-based): chr7:30,595,044, C>A. VCF-style: chr7-30595044-C-A. GRCh37 (hg19) VCF-style: chr7-30634660-C-A.
Other names: c.123C>A (NM_002047.3); c.-40C>A (NM_001316772.1); short protein forms C41*.
Identifiers: ClinVar variation 950612 (VCV000950612.6), dbSNP rs988893052, ClinGen allele CA156096404.